The following is an entry in ClinVar:

NM_000548.5(TSC2):c.160C>T (p.Leu54Phe)

Gene: TSC2 (TSC complex subunit 2; plus strand). Cytogenetic location: 16p13.3.
Variant type: single nucleotide variant.
Coding change: c.160C>T on transcript NM_000548.5 (MANE Select); coding-DNA position 160, C replaced by T.
Protein change: p.Leu54Phe; replaces leucine 54 with phenylalanine.
Molecular consequence: missense variant. On other transcripts: 5 prime UTR variant (1).
Genome position (GRCh38, 1-based): chr16:2,050,421, C>T. VCF-style: chr16-2050421-C-T. GRCh37 (hg19) VCF-style: chr16-2100422-C-T.
Other names: p.Leu54Phe; c.160C>T, p.Leu54Phe (NM_001077183.3, NM_001114382.3, NM_001318827.2 and 4 more transcripts); c.13C>T, p.Leu5Phe (NM_001318829.2); c.-67C>T (NM_001318831.2); c.193C>T, p.Leu65Phe (NM_001318832.2); short protein forms L54F, L5F, L65F.
Identifiers: ClinVar variation 852430 (VCV000852430.14), dbSNP rs1394176023, ClinGen allele CA394303201.
Genomic context (GRCh38, chr16:2,050,421, plus strand): 5'-TGAGCACTGGCCCCTTTTTCTTCTTTCATCTCTCTCCAGGAACTGAGCATGGAATGTGGC[C>T]TCAACAATCGCATCCGGATGATAGGGCAGATTTGTGAAGTCGCAAAAACCAAGAAATTTG-3'
Protein context (NP_000539.2, residues 44-64): ILRELSMECG[Leu54Phe]NNRIRMIGQI

ClinVar aggregate classification (germline): Uncertain significance. Review status: criteria provided, multiple submitters, no conflicts (2 of 4 stars). 4 submissions from 4 submitters: Uncertain significance (4). Last evaluated 2025-10-15.

Conditions:
Isolated focal cortical dysplasia type II (FCORD2). Also called: CORTICAL DYSPLASIA OF TAYLOR; Focal cortical dysplasia type II. Identifiers: Orphanet 268994, MedGen C1846385, MONDO:0011818, OMIM 607341, HP:0032051.
Tuberous sclerosis 2 (TSC2). Identifiers: Orphanet 805, MedGen C1860707, MONDO:0013199, OMIM 613254.
Hereditary cancer-predisposing syndrome. Also called: Neoplastic Syndromes, Hereditary; Hereditary Cancer Syndrome; Hereditary neoplastic syndrome; Tumor predisposition. Identifiers: Orphanet 140162, MedGen C0027672, MeSH D009386, MONDO:0015356.

Allele frequency attached by ClinVar (database versions not stated): TOPMed 0.00001.
gnomAD v4.1: 1 of 1,613,838 alleles (0.000062%); highest among the groups gnomAD compares: Non-Finnish European, 0.000085%; no homozygotes.

Submissions (4):

Mayo Clinic Laboratories, Mayo Clinic
Classification: Uncertain significance. Last evaluated: 2025-10-15. Review status: criteria provided, single submitter. Criteria: ACMG Guidelines, 2015. Collection method: clinical testing. Allele origin: germline. Observed: 1 variant allele.
Comment: BP4, PM2_supporting

Labcorp Genetics (formerly Invitae), Labcorp
Classification: Uncertain significance for Tuberous sclerosis 2. Last evaluated: 2025-01-26. Review status: criteria provided, single submitter. Criteria: Invitae Variant Classification Sherloc (09022015). Collection method: clinical testing. Allele origin: germline.
Comment: This sequence change replaces leucine, which is neutral and non-polar, with phenylalanine, which is neutral and non-polar, at codon 54 of the TSC2 protein (p.Leu54Phe). This variant is not present in population databases (gnomAD no frequency). This variant has not been reported in the literature in individuals affected with TSC2-related conditions. ClinVar contains an entry for this variant (Variation ID: 852430). Invitae Evidence Modeling of protein sequence and biophysical properties (such as structural, functional, and spatial information, amino acid conservation, physicochemical variation, residue mobility, and thermodynamic stability) indicates that this missense variant is not expected to disrupt TSC2 protein function with a negative predictive value of 95%. In summary, the available evidence is currently insufficient to determine the role of this variant in disease. Therefore, it has been classified as a Variant of Uncertain Significance.

Baylor Genetics
Classification: Uncertain significance for Isolated focal cortical dysplasia type II. Last evaluated: 2024-03-27. Review status: criteria provided, single submitter. Criteria: ACMG Guidelines, 2015. Collection method: clinical testing. Allele origin: unknown.

Ambry Genetics
Classification: Uncertain significance for Hereditary cancer-predisposing syndrome. Last evaluated: 2021-10-19. Review status: criteria provided, single submitter. Criteria: Ambry Variant Classification Scheme 2023. Collection method: clinical testing. Allele origin: germline.
Comment: The p.L54F variant (also known as c.160C>T), located in coding exon 2 of the TSC2 gene, results from a C to T substitution at nucleotide position 160. The leucine at codon 54 is replaced by phenylalanine, an amino acid with highly similar properties. This amino acid position is well conserved in available vertebrate species. In addition, the in silico prediction for this alteration is inconclusive. Since supporting evidence is limited at this time, the clinical significance of this alteration remains unclear.